The following is an entry in ClinVar:

NM_058004.4(PI4KA):c.5977G>A (p.Asp1993Asn)

Gene: PI4KA (phosphatidylinositol 4-kinase alpha; minus strand). Cytogenetic location: 22q11.21.
Variant type: single nucleotide variant.
Coding change: c.5977G>A on transcript NM_058004.4 (MANE Select); coding-DNA position 5977, G replaced by A.
Protein change: p.Asp1993Asn; replaces aspartic acid 1993 with asparagine.
Molecular consequence: missense variant.
Genome position (GRCh38, 1-based): chr22:20,710,805, C>T on the plus strand (G>A on the coding strand, the complement: PI4KA is on the minus strand). VCF-style: chr22-20710805-C-T. GRCh37 (hg19) VCF-style: chr22-21065093-C-T.
Other names: c.5884G>A, p.Asp1962Asn (NM_001362862.2); c.5911G>A, p.Asp1971Asn (NM_001362863.2); short protein forms D1962N, D1971N, D1993N.
Identifiers: ClinVar variation 2326618 (VCV002326618.26), dbSNP rs781479336, ClinGen allele CA10114467.

ClinVar aggregate classification (germline): Uncertain significance. Review status: criteria provided, multiple submitters, no conflicts (2 of 4 stars). 2 submissions from 2 submitters: Uncertain significance (2). Last evaluated 2022-12-01.

Conditions:
Inborn genetic diseases. Identifiers: MedGen C0950123, MeSH D030342.

Allele frequency attached by ClinVar (database versions not stated): TOPMed below 0.00001; gnomAD 0.00001; ExAC 0.00003.

Submissions (2):

CeGaT Center for Human Genetics Tuebingen
Classification: Uncertain significance. Last evaluated: 2022-12-01. Review status: criteria provided, single submitter. Criteria: CeGaT Center For Human Genetics Tuebingen Variant Classification Criteria Version 2. Collection method: clinical testing. Allele origin: germline. Affected: yes. Observed: 1 variant allele.
Comment: PI4KA: PM2, PP2, PP3

Ambry Genetics
Classification: Uncertain significance for Inborn genetic diseases. Last evaluated: 2022-11-17. Review status: criteria provided, single submitter. Criteria: Ambry Variant Classification Scheme 2023. Collection method: clinical testing. Allele origin: germline.